The following is an entry in ClinVar:

ClinVar aggregate classification (germline): Benign/Likely benign. Review status: criteria provided, multiple submitters, no conflicts (2 of 4 stars). 6 submissions from 6 submitters: Benign (1); Likely benign (5). Last evaluated 2025-06-15.

Conditions:
Hereditary cancer-predisposing syndrome. Also called: Neoplastic Syndromes, Hereditary; Tumor predisposition; Hereditary Cancer Syndrome; Hereditary neoplastic syndrome. Identifiers: Orphanet 140162, MedGen C0027672, MeSH D009386, MONDO:0015356.
Familial cancer of breast. Also called: hereditary breast carcinoma; BREAST CANCER, FAMILIAL; Hereditary breast cancer. Identifiers: Orphanet 227535, MedGen C0346153, MONDO:0016419, OMIM 114480. Disease mechanism: loss of function.
Ataxia-telangiectasia syndrome (AT). Also called: ATAXIA-TELANGIECTASIA, COMPLEMENTATION GROUP A; ATAXIA-TELANGIECTASIA, FRESNO VARIANT; Ataxia-telangiectasia; Ataxia-telangiectasia, complementation group D; AT, COMPLEMENTATION GROUP C; Ataxia-telangiectasia, complementation group E. Identifiers: Orphanet 100, MedGen C0004135, MONDO:0008840, OMIM 208900.

Allele frequency attached by ClinVar (database versions not stated): gnomAD exomes below 0.00001; TOPMed below 0.00001; gnomAD 0.00001.
gnomAD v4.1: 5 of 1,613,404 alleles (0.00031%); highest among the groups gnomAD compares: Non-Finnish European, 0.00042%; no homozygotes.

Submissions (6):

Labcorp Genetics (formerly Invitae), Labcorp
Classification: Likely benign for Ataxia-telangiectasia syndrome. Last evaluated: 2025-06-15. Review status: criteria provided, single submitter. Criteria: Invitae Variant Classification Sherloc (09022015). Collection method: clinical testing. Allele origin: germline.

Myriad Genetics, Inc.
Classification: Benign for Familial cancer of breast. Last evaluated: 2024-05-01. Review status: criteria provided, single submitter. Criteria: Myriad Autosomal Dominant, Autosomal Recessive and X-Linked Classification Criteria (2023). Collection method: clinical testing. Allele origin: unknown.
Comment: This variant is considered benign. This variant is a silent/synonymous amino acid change and it is not expected to impact splicing.

Color Diagnostics, LLC DBA Color Health
Classification: Likely benign for Hereditary cancer-predisposing syndrome. Last evaluated: 2023-03-15. Review status: criteria provided, single submitter. Criteria: ACMG Guidelines, 2015. Collection method: clinical testing. Allele origin: germline.

Women's Health and Genetics/Laboratory Corporation of America, LabCorp
Classification: Likely benign. Last evaluated: 2020-09-28. Review status: criteria provided, single submitter. Criteria: LabCorp Variant Classification Summary - May 2015. Collection method: clinical testing. Allele origin: germline.

Ambry Genetics
Classification: Likely benign for Hereditary cancer-predisposing syndrome. Last evaluated: 2020-08-18. Review status: criteria provided, single submitter. Criteria: Ambry Variant Classification Scheme 2023. Collection method: clinical testing. Allele origin: germline.

GeneDx
Classification: Likely benign. Last evaluated: 2018-01-23. Review status: criteria provided, single submitter. Criteria: GeneDx Variant Classification (06012015). Collection method: clinical testing. Allele origin: germline. Affected: yes.
Comment: This variant is considered likely benign or benign based on one or more of the following criteria: it is a conservative change, it occurs at a poorly conserved position in the protein, it is predicted to be benign by multiple in silico algorithms, and/or has population frequency not consistent with disease.

NM_000051.4(ATM):c.1758G>A (p.Glu586=)

Gene: ATM (ATM serine/threonine kinase; plus strand). Cytogenetic location: 11q22.3.
Variant type: single nucleotide variant.
Coding change: c.1758G>A on transcript NM_000051.4 (MANE Select); coding-DNA position 1758, G replaced by A.
Protein change: p.Glu586=; no amino-acid change (glutamic acid 586 retained).
Molecular consequence: synonymous variant.
Genome position (GRCh38, 1-based): chr11:108,251,987, G>A. VCF-style: chr11-108251987-G-A. GRCh37 (hg19) VCF-style: chr11-108122714-G-A.
Other names: c.1758G>A, p.Glu586= (NM_001351834.2).
Identifiers: ClinVar variation 516482 (VCV000516482.14), dbSNP rs1555072017, ClinGen allele CA476672178.